The following is an entry in ClinVar:

NM_001381865.2(RCC1):c.416G>A (p.Arg139His)

Gene: RCC1 (regulator of chromosome condensation 1; plus strand). Cytogenetic location: 1p35.3.
Variant type: single nucleotide variant.
Coding change: c.416G>A on transcript NM_001381865.2 (MANE Select); coding-DNA position 416, G replaced by A.
Protein change: p.Arg139His; replaces arginine 139 with histidine.
Molecular consequence: missense variant.
Genome position (GRCh38, 1-based): chr1:28,532,325, G>A. VCF-style: chr1-28532325-G-A. GRCh37 (hg19) VCF-style: chr1-28858837-G-A.
Other names: c.509G>A, p.Arg170His (NM_001048194.4); c.467G>A, p.Arg156His (NM_001048195.4); c.416G>A, p.Arg139His (NM_001048199.3, NM_001269.6, NM_001381866.2); short protein forms R139H, R156H, R170H.
Identifiers: ClinVar variation 2687494 (VCV002687494.2), dbSNP rs200813021.

ClinVar aggregate classification (germline): Conflicting classifications of pathogenicity. Review status: no assertion criteria provided (0 of 4 stars). 2 submissions from 1 submitter: Likely pathogenic (1); Uncertain significance (1). Last evaluated 2026-04-09.

Conditions:
Infection-induced acute-onset axonal neuropathy. Identifiers: MedGen C6065907, MONDO:0979881, OMIM 621333.

Allele frequency attached by ClinVar (database versions not stated): gnomAD 0.00001; TOPMed 0.00003; ExAC 0.00013.
gnomAD v4.1: 60 of 1,613,970 alleles (0.0037%); highest among the groups gnomAD compares: Admixed American, 0.018%; no homozygotes.

Submissions (2):

Newman Lab, University of Manchester
Classification: Likely pathogenic for Infection-induced acute-onset axonal neuropathy. Last evaluated: 2026-04-09. Review status: no assertion criteria provided. Collection method: research, in vitro. Allele origin: biparental, not applicable. Inheritance: Autosomal recessive inheritance. Affected: yes. Functional consequence: loss of function.
Comment: Not observed at significant frequency in large population cohorts (gnomAD v4.1); CADD score deleterious; functional assay - altered nucleocytoplasmic transport

Newman Lab, University of Manchester
Classification: Uncertain significance. Last evaluated: 2024-01-11. Review status: no assertion criteria provided. Collection method: research. Allele origin: biparental. Inheritance: Autosomal recessive inheritance. Affected: yes. Observed: 1 variant allele.
Comment: This is a novel disease-gene association